The following is an entry in ClinVar:

ClinVar aggregate classification (germline): Benign/Likely benign. Review status: criteria provided, multiple submitters, no conflicts (2 of 4 stars). 12 submissions from 12 submitters: Benign (8); Likely benign (3). 1 of the submissions does not count toward it. Last evaluated 2026-02-03.

Conditions:
TSC2-related disorder. Also called: TSC2-Related Disorders; TSC2-related condition.
Hereditary cancer-predisposing syndrome. Also called: Tumor predisposition; Neoplastic Syndromes, Hereditary; Hereditary Cancer Syndrome; Hereditary neoplastic syndrome. Identifiers: Orphanet 140162, MedGen C0027672, MeSH D009386, MONDO:0015356.
Tuberous sclerosis syndrome (TSC). Also called: Tuberous Sclerosis Complex; Tuberous sclerosis. Identifiers: Orphanet 805, MedGen C0041341, MONDO:0001734.
Tuberous sclerosis 2 (TSC2). Identifiers: Orphanet 805, MedGen C1860707, MONDO:0013199, OMIM 613254.

Allele frequency attached by ClinVar (database versions not stated): gnomAD 0.00003; TOPMed 0.00005; 1000 Genomes Project 0.00100; 1000 Genomes Project 30x 0.00109.
gnomAD v4.1: 623 of 1,613,518 alleles (0.039%); highest among the groups gnomAD compares: South Asian, 0.66%; 10 homozygotes.

Submissions (12):

Labcorp Genetics (formerly Invitae), Labcorp
Classification: Benign for Tuberous sclerosis 2. Last evaluated: 2026-02-03. Review status: criteria provided, single submitter. Criteria: Invitae Variant Classification Sherloc (09022015). Collection method: clinical testing. Allele origin: germline.

Blueprint Genetics
Classification: Likely benign. Last evaluated: 2024-10-23. Review status: criteria provided, single submitter. Criteria: ACMG Guidelines, 2015. Collection method: clinical testing. Allele origin: germline.

CeGaT Center for Human Genetics Tuebingen
Classification: Benign. Last evaluated: 2024-09-01. Review status: criteria provided, single submitter. Criteria: CeGaT Center For Human Genetics Tuebingen Variant Classification Criteria Version 2. Collection method: clinical testing. Allele origin: germline. Affected: yes. Observed: 2 variant alleles.
Comment: TSC2: BP4, BS1, BS2

Myriad Genetics, Inc.
Classification: Likely benign for Tuberous sclerosis 2. Last evaluated: 2024-08-20. Review status: criteria provided, single submitter. Criteria: Myriad Autosomal Dominant, Autosomal Recessive and X-Linked Classification Criteria (2023). Collection method: clinical testing. Allele origin: unknown.
Comment: This variant is considered likely benign. This variant has been observed at a population frequency that is significantly greater than expected given the associated disease prevalence and penetrance.

Color Diagnostics, LLC DBA Color Health
Classification: Benign for Tuberous sclerosis syndrome. Last evaluated: 2022-09-20. Review status: criteria provided, single submitter. Criteria: ACMG Guidelines, 2015. Collection method: clinical testing. Allele origin: germline.

Genome-Nilou Lab
Classification: Benign for Tuberous sclerosis 2. Last evaluated: 2021-11-07. Review status: criteria provided, single submitter. Criteria: ACMG Guidelines, 2015. Collection method: clinical testing. Allele origin: germline. Affected: no.

Sema4
Classification: Benign for Hereditary cancer-predisposing syndrome. Last evaluated: 2021-08-03. Review status: criteria provided, single submitter. Criteria: Sema4 Curation Guidelines. Collection method: curation. Allele origin: germline.

Ambry Genetics
Classification: Likely benign for Hereditary cancer-predisposing syndrome. Last evaluated: 2018-04-24. Review status: criteria provided, single submitter. Criteria: Ambry Variant Classification Scheme 2023. Collection method: clinical testing. Allele origin: germline.

Athena Diagnostics
Classification: Benign. Last evaluated: 2018-04-11. Review status: criteria provided, single submitter. Criteria: Athena Diagnostics Criteria. Collection method: clinical testing. Allele origin: germline.

GeneDx
Classification: Benign. Last evaluated: 2018-02-26. Review status: criteria provided, single submitter. Criteria: GeneDx Variant Classification (06012015). Collection method: clinical testing. Allele origin: germline. Affected: yes.
Comment: This variant is considered likely benign or benign based on one or more of the following criteria: it is a conservative change, it occurs at a poorly conserved position in the protein, it is predicted to be benign by multiple in silico algorithms, and/or has population frequency not consistent with disease.

Illumina Laboratory Services, Illumina
Classification: Benign for Tuberous sclerosis syndrome. Last evaluated: 2018-01-13. Review status: criteria provided, single submitter. Criteria: ICSL Variant Classification Criteria 13 December 2019. Collection method: clinical testing. Allele origin: germline.
Comment: This variant was observed in the ICSL laboratory as part of a predisposition screen in an ostensibly healthy population. It had not been previously curated by ICSL or reported in the Human Gene Mutation Database (HGMD: prior to June 1st, 2018), and was therefore a candidate for classification through an automated scoring system. Utilizing variant allele frequency, disease prevalence and penetrance estimates, and inheritance mode, an automated score was calculated to assess if this variant is too frequent to cause the disease. Based on the score and internal cut-off values, a variant classified as benign is not then subjected to further curation. The score for this variant resulted in a classification of benign for this disease.

PreventionGenetics, part of Exact Sciences
Classification: Benign for TSC2-related condition. Last evaluated: 2019-12-30. Review status: no assertion criteria provided. Collection method: clinical testing. Allele origin: germline. Not counted in ClinVar's aggregate classification.
Comment: This variant is classified as benign based on ACMG/AMP sequence variant interpretation guidelines (Richards et al. 2015 PMID: 25741868, with internal and published modifications).

NM_000548.5(TSC2):c.2348C>G (p.Thr783Ser)

Gene: TSC2 (TSC complex subunit 2; plus strand). Cytogenetic location: 16p13.3.
Variant type: single nucleotide variant.
Coding change: c.2348C>G on transcript NM_000548.5 (MANE Select); coding-DNA position 2348, C replaced by G.
Protein change: p.Thr783Ser; replaces threonine 783 with serine.
Molecular consequence: missense variant.
Genome position (GRCh38, 1-based): chr16:2,072,976, C>G. VCF-style: chr16-2072976-C-G. GRCh37 (hg19) VCF-style: chr16-2122977-C-G.
Other names: p.T783S:ACC>AGC; c.2348C>G, p.Thr783Ser (NM_001077183.3, NM_001114382.3, NM_001363528.2 and 3 more transcripts); c.2237C>G, p.Thr746Ser (NM_001318827.2); c.2201C>G, p.Thr734Ser (NM_001318829.2); c.1748C>G, p.Thr583Ser (NM_001318831.2); c.2381C>G, p.Thr794Ser (NM_001318832.2); c.2348C>G (NM_000548.4); short protein forms T783S, T583S, T734S, T746S, T794S.
Identifiers: ClinVar variation 207728 (VCV000207728.49), dbSNP rs562945619, ClinGen allele CA038489.